The following is an entry in ClinVar:

NM_001012759.3(CTU2):c.68G>C (p.Ser23Thr)

Gene: CTU2 (cytosolic thiouridylase subunit 2; plus strand). Cytogenetic location: 16q24.3.
Variant type: single nucleotide variant.
Coding change: c.68G>C on transcript NM_001012759.3 (MANE Select); coding-DNA position 68, G replaced by C.
Protein change: p.Ser23Thr; replaces serine 23 with threonine.
Molecular consequence: missense variant. On other transcripts: 5 prime UTR variant (1).
Genome position (GRCh38, 1-based): chr16:88,706,598, G>C. VCF-style: chr16-88706598-G-C. GRCh37 (hg19) VCF-style: chr16-88773006-G-C.
Other names: c.68G>C, p.Ser23Thr (NM_001012762.3, NM_001318507.2); c.-115G>C (NM_001318513.2); short protein forms S23T.
Identifiers: ClinVar variation 3252804 (VCV003252804.2), dbSNP rs536176202.

ClinVar aggregate classification (germline): Uncertain significance (1 of 4 stars; one submission).

Allele frequency attached by ClinVar (database versions not stated): TOPMed 0.00009; 1000 Genomes Project 30x 0.00047.
gnomAD v4.1: 75 of 1,432,692 alleles (0.0052%); highest among the groups gnomAD compares: Admixed American, 0.055%; no homozygotes.

Submission:

GeneDx
Classification: Uncertain significance. Last evaluated: 2026-05-21. Review status: criteria provided, single submitter. Criteria: GeneDx Variant Classification Process June 2021. Collection method: clinical testing. Allele origin: germline.
Comment: In silico analysis suggests that this missense variant does not alter protein structure/function; Has not been previously published as pathogenic or benign to our knowledge